The following is an entry in ClinVar:

ClinVar aggregate classification (germline): Uncertain significance. Review status: criteria provided, multiple submitters, no conflicts (2 of 4 stars). 2 submissions from 2 submitters: Uncertain significance (2). Last evaluated 2025-09-10.

Conditions:
Parkinsonism-dystonia, infantile. Identifiers: Orphanet 238455, MedGen C2751067, MONDO:0013150.
Inborn genetic diseases. Identifiers: MedGen C0950123, MeSH D030342.

Allele frequency attached by ClinVar (database versions not stated): gnomAD exomes 0.00001.
gnomAD v4.1: 11 of 1,614,234 alleles (0.00068%); highest among the groups gnomAD compares: South Asian, 0.0022%; no homozygotes.

Submissions (2):

Ambry Genetics
Classification: Uncertain significance for Inborn genetic diseases. Last evaluated: 2025-09-10. Review status: criteria provided, single submitter. Criteria: Ambry Variant Classification Scheme 2023. Collection method: clinical testing. Allele origin: germline.

Labcorp Genetics (formerly Invitae), Labcorp
Classification: Uncertain significance for Parkinsonism-dystonia, infantile. Last evaluated: 2022-07-12. Review status: criteria provided, single submitter. Criteria: Invitae Variant Classification Sherloc (09022015). Collection method: clinical testing. Allele origin: germline.
Comment: In summary, the available evidence is currently insufficient to determine the role of this variant in disease. Therefore, it has been classified as a Variant of Uncertain Significance. Algorithms developed to predict the effect of missense changes on protein structure and function are either unavailable or do not agree on the potential impact of this missense change (SIFT: "Tolerated"; PolyPhen-2: "Possibly Damaging"; Align-GVGD: "Class C0"). ClinVar contains an entry for this variant (Variation ID: 1403125). This variant has not been reported in the literature in individuals affected with SLC6A3-related conditions. This variant is not present in population databases (gnomAD no frequency). This sequence change replaces lysine, which is basic and polar, with asparagine, which is neutral and polar, at codon 27 of the SLC6A3 protein (p.Lys27Asn).

NM_001044.5(SLC6A3):c.81G>C (p.Lys27Asn)

Gene: SLC6A3 (solute carrier family 6 member 3). Cytogenetic location: 5p15.33.
Variant type: single nucleotide variant.
Coding change: c.81G>C on transcript NM_001044.5 (MANE Select); coding-DNA position 81, G replaced by C.
Protein change: p.Lys27Asn; replaces lysine 27 with asparagine.
Molecular consequence: missense variant.
Genome position (GRCh38, 1-based): chr5:1,443,117, C>G on the plus strand (G>C on the coding strand, the complement: SLC6A3 is on the minus strand). VCF-style: chr5-1443117-C-G. GRCh37 (hg19) VCF-style: chr5-1443232-C-G.
Other names: c.81G>C (NM_001044.4); short protein forms K27N.
Identifiers: ClinVar variation 1403125 (VCV001403125.7), dbSNP rs915327713, ClinGen allele CA112969975.